The following is an entry in ClinVar:

NM_015322.5(FEM1B):c.655G>A (p.Gly219Arg)

Gene: FEM1B (fem-1 homolog B; plus strand). Cytogenetic location: 15q23.
Variant type: single nucleotide variant.
Coding change: c.655G>A on transcript NM_015322.5 (MANE Select); coding-DNA position 655, G replaced by A.
Protein change: p.Gly219Arg; replaces glycine 219 with arginine.
Molecular consequence: missense variant.
Genome position (GRCh38, 1-based): chr15:68,290,013, G>A. VCF-style: chr15-68290013-G-A. GRCh37 (hg19) VCF-style: chr15-68582351-G-A.
Other names: short protein forms G219R.
Identifiers: ClinVar variation 3897530 (VCV003897530.1).

ClinVar aggregate classification (germline): Uncertain significance (1 of 4 stars; one submission).

Submission:

GeneDx
Classification: Uncertain significance. Last evaluated: 2024-10-31. Review status: criteria provided, single submitter. Criteria: GeneDx Variant Classification Process June 2021. Collection method: clinical testing. Allele origin: germline. Affected: yes.
Comment: Not observed at significant frequency in large population cohorts (gnomAD); In silico analysis supports that this missense variant has a deleterious effect on protein structure/function; Has not been previously published as pathogenic or benign to our knowledge